The following is an entry in ClinVar:

NM_001378454.1(ALMS1):c.9888C>T (p.Thr3296=)

Gene: ALMS1 (ALMS1 centrosome and basal body associated protein; plus strand). Cytogenetic location: 2p13.1.
Variant type: single nucleotide variant.
Coding change: c.9888C>T on transcript NM_001378454.1 (MANE Select); coding-DNA position 9888, C replaced by T.
Protein change: p.Thr3296=; no amino-acid change (threonine 3296 retained).
Molecular consequence: synonymous variant.
Genome position (GRCh38, 1-based): chr2:73,534,930, C>T. VCF-style: chr2-73534930-C-T. GRCh37 (hg19) VCF-style: chr2-73762057-C-T.
Other names: c.9891C>T, p.Thr3297= (NM_015120.4).
Identifiers: ClinVar variation 550067 (VCV000550067.14), dbSNP rs372451785, ClinGen allele CA1714801.
Genomic context (GRCh38, chr2:73,534,930, plus strand): 5'-GTATTATGTTCCACAATTAAGACAAATTCCTCCATCTCCGGATTCCAAATCAGATACCAC[C>T]GTTGAAAGCTCCCATTCAGGTATTATGCAGAAATTATTCGAAGTTTTATTGTTTGATATT-3'
Protein context (NP_001365383.1, residues 3286-3306): PPSPDSKSDT[Thr3296=]VESSHSGSND

ClinVar aggregate classification (germline): Likely benign. Review status: criteria provided, multiple submitters, no conflicts (2 of 4 stars). 4 submissions from 4 submitters: Likely benign (3). 1 of the submissions does not count toward it. Last evaluated 2026-01-01.

Conditions:
Alstrom syndrome (ALMS). Identifiers: Orphanet 64, MedGen C0268425, MONDO:0008763, OMIM 203800.
Cardiovascular phenotype. Identifiers: MedGen CN230736.

Allele frequency attached by ClinVar (database versions not stated): ExAC 0.00001; gnomAD exomes 0.00001 and 0.00002; TOPMed 0.00002; gnomAD 0.00003; ESP Exome Variant Server 0.00008.
gnomAD v4.1: 29 of 1,613,572 alleles (0.0018%); highest among the groups gnomAD compares: East Asian, 0.0045%; no homozygotes.

Submissions (4):

CeGaT Center for Human Genetics Tuebingen
Classification: Likely benign. Last evaluated: 2026-01-01. Review status: criteria provided, single submitter. Criteria: CeGaT Center For Human Genetics Tuebingen Variant Classification Criteria Version 2. Collection method: clinical testing. Allele origin: germline. Affected: yes. Observed: 1 variant allele.
Comment: ALMS1: BP4, BP7

Labcorp Genetics (formerly Invitae), Labcorp
Classification: Likely benign for Alstrom syndrome. Last evaluated: 2025-11-19. Review status: criteria provided, single submitter. Criteria: Invitae Variant Classification Sherloc (09022015). Collection method: clinical testing. Allele origin: germline.

Ambry Genetics
Classification: Likely benign for Cardiovascular phenotype. Last evaluated: 2023-12-02. Review status: criteria provided, single submitter. Criteria: Ambry Variant Classification Scheme 2023. Collection method: clinical testing. Allele origin: germline.

Counsyl
Classification: Likely benign for Alstrom syndrome. Last evaluated: 2018-01-13. Review status: no assertion criteria provided. Collection method: clinical testing. Allele origin: unknown. Not counted in ClinVar's aggregate classification.